The following is an entry in ClinVar:

NM_001042492.3(NF1):c.3632_3635dup (p.Thr1213fs)

Gene: NF1 (neurofibromin 1; plus strand). Cytogenetic location: 17q11.2.
Variant type: Duplication.
Coding change: c.3632_3635dup on transcript NM_001042492.3 (MANE Select); coding-DNA positions 3632 to 3635, 4 bases duplicated (TGGT; older notation c.3632_3635dupTGGT).
Protein change: p.Thr1213fs; shifts the reading frame from threonine 1213.
Molecular consequence: frameshift variant.
Genome position (GRCh38, 1-based): chr17:31,233,137-31,233,140, TGGT duplicated. VCF-style (leftmost placement, unchanged base first): chr17-31233136-C-CTGGT. GRCh37 (hg19) VCF-style: chr17-29560154-C-CTGGT.
Other names: c.3632_3635dup, p.Thr1213Glyfs (NM_000267.4); short protein forms T1213fs.
Identifiers: ClinVar variation 2089739 (VCV002089739.4), dbSNP rs2508239971, ClinGen allele CA2580093088.

ClinVar aggregate classification (germline): Pathogenic (1 of 4 stars; one submission).

Conditions:
Neurofibromatosis, type 1 (NF1). Also called: NEUROFIBROMATOSIS, TYPE I, SOMATIC; Neurofibromatosis, type I; Peripheral type neurofibromatosis; VON RECKLINGHAUSEN DISEASE. Identifiers: Orphanet 636, MedGen C0027831, MONDO:0018975, OMIM 162200. Disease mechanism: loss of function.

Submission:

Labcorp Genetics (formerly Invitae), Labcorp
Classification: Pathogenic for Neurofibromatosis, type 1. Last evaluated: 2022-01-26. Review status: criteria provided, single submitter. Criteria: Invitae Variant Classification Sherloc (09022015). Collection method: clinical testing. Allele origin: germline.
Comment: This sequence change creates a premature translational stop signal (p.Thr1213Glyfs*6) in the NF1 gene. It is expected to result in an absent or disrupted protein product. Loss-of-function variants in NF1 are known to be pathogenic (PMID: 10712197, 23913538). This variant is not present in population databases (gnomAD no frequency). This variant has not been reported in the literature in individuals affected with NF1-related conditions. For these reasons, this variant has been classified as Pathogenic.

Literature cited by the submitters: PubMed 10712197; PubMed 23913538.